The following is an entry in ClinVar:

NM_001378457.1(DMXL2):c.5135C>G (p.Ala1712Gly)

Gene: DMXL2 (Dmx like 2; minus strand). Cytogenetic location: 15q21.2.
Variant type: single nucleotide variant.
Coding change: c.5135C>G on transcript NM_001378457.1 (MANE Select); coding-DNA position 5135, C replaced by G.
Protein change: p.Ala1712Gly; replaces alanine 1712 with glycine.
Molecular consequence: missense variant. On other transcripts: non-coding transcript variant (2).
Genome position (GRCh38, 1-based): chr15:51,488,036, G>C on the plus strand (C>G on the coding strand, the complement: DMXL2 is on the minus strand). VCF-style: chr15-51488036-G-C. GRCh37 (hg19) VCF-style: chr15-51780233-G-C.
Other names: c.5135C>G, p.Ala1712Gly (NM_001174116.3, NM_001378458.1, NM_001378459.1 and 4 more transcripts); c.3227C>G, p.Ala1076Gly (NM_001174117.3); c.3116C>G, p.Ala1039Gly (NM_001378460.1); c.4895C>G, p.Ala1632Gly (NM_001378464.1); c.5135C>G (NM_001174116.1); short protein forms A1076G, A1632G, A1039G, A1712G.
Identifiers: ClinVar variation 1431337 (VCV001431337.5), dbSNP rs372749193, ClinGen allele CA270565605.
Genomic context (GRCh38, chr15:51,488,036, plus strand): 5'-CCAGCTAGCAAGAAAAAAGCAGCCGATTGTTCAAAGCGTTGTTTTCCAAGTAAGGAAAAA[G>C]CATTTTTCAAAGCAGCTTTTCGCCATCTATCTTCATTAAAGTTGTGGCTGAAAAATGTTG-3'
Protein context (NP_001365386.1, residues 1702-1722): DRWRKAALKN[Ala1712Gly]FSLLGKQRFE

ClinVar aggregate classification (germline): Uncertain significance. Review status: criteria provided, multiple submitters, no conflicts (2 of 4 stars). 2 submissions from 2 submitters: Uncertain significance (2). Last evaluated 2025-01-09.

Conditions:
Inborn genetic diseases. Identifiers: MedGen C0950123, MeSH D030342.

Allele frequency attached by ClinVar (database versions not stated): gnomAD exomes below 0.00001; gnomAD 0.00001; ESP Exome Variant Server 0.00008.
gnomAD v4.1: 6 of 1,612,726 alleles (0.00037%); highest among the groups gnomAD compares: African/African-American, 0.0013%; no homozygotes.

Submissions (2):

Ambry Genetics
Classification: Uncertain significance for Inborn genetic diseases. Last evaluated: 2025-01-09. Review status: criteria provided, single submitter. Criteria: Ambry Variant Classification Scheme 2023. Collection method: clinical testing. Allele origin: germline.

Labcorp Genetics (formerly Invitae), Labcorp
Classification: Uncertain significance. Last evaluated: 2022-09-19. Review status: criteria provided, single submitter. Criteria: Invitae Variant Classification Sherloc (09022015). Collection method: clinical testing. Allele origin: germline.
Comment: This variant is present in population databases (rs372749193, gnomAD 0.007%). In summary, the available evidence is currently insufficient to determine the role of this variant in disease. Therefore, it has been classified as a Variant of Uncertain Significance. Algorithms developed to predict the effect of missense changes on protein structure and function (SIFT, PolyPhen-2, Align-GVGD) all suggest that this variant is likely to be disruptive. ClinVar contains an entry for this variant (Variation ID: 1431337). This variant has not been reported in the literature in individuals affected with DMXL2-related conditions. This sequence change replaces alanine, which is neutral and non-polar, with glycine, which is neutral and non-polar, at codon 1712 of the DMXL2 protein (p.Ala1712Gly).